The following is an entry in ClinVar:

NM_001256545.2(MEGF10):c.2174G>A (p.Ser725Asn)

Gene: MEGF10 (multiple EGF like domains 10; plus strand). Cytogenetic location: 5q23.2.
Variant type: single nucleotide variant.
Coding change: c.2174G>A on transcript NM_001256545.2 (MANE Select); coding-DNA position 2174, G replaced by A.
Protein change: p.Ser725Asn; replaces serine 725 with asparagine.
Molecular consequence: missense variant.
Genome position (GRCh38, 1-based): chr5:127,438,508, G>A. VCF-style: chr5-127438508-G-A. GRCh37 (hg19) VCF-style: chr5-126774200-G-A.
Other names: c.2174G>A, p.Ser725Asn (NM_032446.3); short protein forms S725N.
Identifiers: ClinVar variation 1392601 (VCV001392601.8), dbSNP rs1457173499, ClinGen allele CA360732918.

ClinVar aggregate classification (germline): Uncertain significance (1 of 4 stars; one submission).

Conditions:
MEGF10-related myopathy (CMYO10A). Also called: Congenital myopathy 10A, severe variant. Identifiers: Orphanet 439212, MedGen C3280679, MONDO:0013731, OMIM 614399.

Allele frequency attached by ClinVar (database versions not stated): gnomAD exomes below 0.00001 and 0.00001; gnomAD 0.00001; TOPMed 0.00001.
gnomAD v4.1: 21 of 1,614,026 alleles (0.0013%); highest among the groups gnomAD compares: African/African-American, 0.0027%; no homozygotes.

Submission:

Labcorp Genetics (formerly Invitae), Labcorp
Classification: Uncertain significance for MEGF10-related myopathy. Last evaluated: 2025-02-10. Review status: criteria provided, single submitter. Criteria: Invitae Variant Classification Sherloc (09022015). Collection method: clinical testing. Allele origin: germline.
Comment: This sequence change replaces serine, which is neutral and polar, with asparagine, which is neutral and polar, at codon 725 of the MEGF10 protein (p.Ser725Asn). This variant is present in population databases (no rsID available, gnomAD 0.008%). This variant has not been reported in the literature in individuals affected with MEGF10-related conditions. ClinVar contains an entry for this variant (Variation ID: 1392601). Invitae Evidence Modeling of protein sequence and biophysical properties (such as structural, functional, and spatial information, amino acid conservation, physicochemical variation, residue mobility, and thermodynamic stability) indicates that this missense variant is not expected to disrupt MEGF10 protein function with a negative predictive value of 80%. In summary, the available evidence is currently insufficient to determine the role of this variant in disease. Therefore, it has been classified as a Variant of Uncertain Significance.